The following is an entry in ClinVar:

ClinVar aggregate classification (germline): Conflicting classifications of pathogenicity. Review status: criteria provided, conflicting classifications (1 of 4 stars). 6 submissions from 6 submitters: Uncertain significance (2); Benign (1); Likely benign (3). Last evaluated 2025-11-23.

Conditions:
Hereditary cancer-predisposing syndrome. Also called: Neoplastic Syndromes, Hereditary; Hereditary Cancer Syndrome; Hereditary neoplastic syndrome; Tumor predisposition. Identifiers: Orphanet 140162, MedGen C0027672, MeSH D009386, MONDO:0015356.
Familial cancer of breast. Also called: BREAST CANCER, FAMILIAL; hereditary breast carcinoma; Hereditary breast cancer. Identifiers: Orphanet 227535, MedGen C0346153, MONDO:0016419, OMIM 114480. Disease mechanism: loss of function.

Allele frequency attached by ClinVar (database versions not stated): gnomAD exomes below 0.00001.
gnomAD v4.1: 1 of 1,613,570 alleles (0.000062%); highest among the groups gnomAD compares: Admixed American, 0.0017%; no homozygotes.

Submissions (6):

Labcorp Genetics (formerly Invitae), Labcorp
Classification: Likely benign for Familial cancer of breast. Last evaluated: 2025-11-23. Review status: criteria provided, single submitter. Criteria: Invitae Variant Classification Sherloc (09022015). Collection method: clinical testing. Allele origin: germline.

Myriad Genetics, Inc.
Classification: Benign for Familial cancer of breast. Last evaluated: 2024-07-29. Review status: criteria provided, single submitter. Criteria: Myriad Autosomal Dominant, Autosomal Recessive and X-Linked Classification Criteria (2023). Collection method: clinical testing. Allele origin: unknown.
Comment: This variant is considered benign. This variant is a silent/synonymous amino acid change and it is not expected to impact splicing.

GeneDx
Classification: Uncertain significance. Last evaluated: 2023-02-21. Review status: criteria provided, single submitter. Criteria: GeneDx Variant Classification Process June 2021. Collection method: clinical testing. Allele origin: germline. Affected: yes.
Comment: Not observed at significant frequency in large population cohorts (gnomAD); In silico analysis supports that this variant does not alter splicing; Has not been previously published as pathogenic or benign to our knowledge

Sema4
Classification: Uncertain significance for Hereditary cancer-predisposing syndrome. Last evaluated: 2022-02-02. Review status: criteria provided, single submitter. Criteria: Sema4 Curation Guidelines. Collection method: curation. Allele origin: germline.
Comment: To the best of our knowledge, the BARD1 c.1989C>T (p.N663=) variant has not been reported in individuals with BARD1-related disease. It was observed in 1/34592 chromosomes of the Latino/Admixed American subpopulation in the large and broad cohorts of the Genome Aggregation Database (PMID: 32461654). The variant has been reported in ClinVar (Variation ID 479154). In silico splicing prediction tools do not predict that the variant affects splicing but the variant is moderately conserved. Based on the current evidence available, this variant is interpreted as a variant of uncertain significance.

Color Diagnostics, LLC DBA Color Health
Classification: Likely benign for Hereditary cancer-predisposing syndrome. Last evaluated: 2017-04-03. Review status: criteria provided, single submitter. Criteria: ACMG Guidelines, 2015. Collection method: clinical testing. Allele origin: germline.

Ambry Genetics
Classification: Likely benign for Hereditary cancer-predisposing syndrome. Last evaluated: 2016-06-27. Review status: criteria provided, single submitter. Criteria: Ambry Variant Classification Scheme 2023. Collection method: clinical testing. Allele origin: germline.

NM_000465.4(BARD1):c.1989C>T (p.Asn663=)

Gene: BARD1 (BRCA1 associated RING domain 1; minus strand). Cytogenetic location: 2q35.
Variant type: single nucleotide variant.
Coding change: c.1989C>T on transcript NM_000465.4 (MANE Select); coding-DNA position 1989, C replaced by T.
Protein change: p.Asn663=; no amino-acid change (asparagine 663 retained).
Molecular consequence: synonymous variant. On other transcripts: non-coding transcript variant (3).
Genome position (GRCh38, 1-based): chr2:214,730,423, G>A on the plus strand (C>T on the coding strand, the complement: BARD1 is on the minus strand). VCF-style: chr2-214730423-G-A. GRCh37 (hg19) VCF-style: chr2-215595147-G-A.
Other names: c.1932C>T, p.Asn644= (NM_001282543.2); c.636C>T, p.Asn212= (NM_001282545.2); c.579C>T, p.Asn193= (NM_001282548.2); c.450C>T, p.Asn150= (NM_001282549.2).
Identifiers: ClinVar variation 479154 (VCV000479154.18), dbSNP rs587782767, ClinGen allele CA431139087.